The following is an entry in ClinVar:

ClinVar aggregate classification (germline): Uncertain significance (1 of 4 stars; one submission).

Conditions:
Ritscher-Schinzel syndrome. Also called: CRANIOCEREBELLOCARDIAC DYSPLASIA. Identifiers: Orphanet 7, MedGen C0796137, MONDO:0019078.
Hereditary spastic paraplegia 8 (SPG8). Also called: SPASTIC PARAPLEGIA 8, AUTOSOMAL DOMINANT. Identifiers: Orphanet 100989, MedGen C1863704, MONDO:0011339, OMIM 603563.

gnomAD v4.1: 10 of 1,608,532 alleles (0.00062%); highest among the groups gnomAD compares: Non-Finnish European, 0.00077%; no homozygotes.

Submission:

Labcorp Genetics (formerly Invitae), Labcorp
Classification: Uncertain significance for Ritscher-Schinzel syndrome; Hereditary spastic paraplegia 8. Last evaluated: 2024-12-17. Review status: criteria provided, single submitter. Criteria: Invitae Variant Classification Sherloc (09022015). Collection method: clinical testing. Allele origin: germline.
Comment: This sequence change replaces leucine, which is neutral and non-polar, with valine, which is neutral and non-polar, at codon 1054 of the WASHC5 protein (p.Leu1054Val). This variant is not present in population databases (gnomAD no frequency). This variant has not been reported in the literature in individuals affected with WASHC5-related conditions. Invitae Evidence Modeling of protein sequence and biophysical properties (such as structural, functional, and spatial information, amino acid conservation, physicochemical variation, residue mobility, and thermodynamic stability) indicates that this missense variant is not expected to disrupt WASHC5 protein function with a negative predictive value of 80%. In summary, the available evidence is currently insufficient to determine the role of this variant in disease. Therefore, it has been classified as a Variant of Uncertain Significance.

NM_014846.4(WASHC5):c.3160C>G (p.Leu1054Val)

Gene: WASHC5 (WASH complex subunit 5; minus strand). Cytogenetic location: 8q24.13.
Variant type: single nucleotide variant.
Coding change: c.3160C>G on transcript NM_014846.4 (MANE Select); coding-DNA position 3160, C replaced by G.
Protein change: p.Leu1054Val; replaces leucine 1054 with valine.
Molecular consequence: missense variant.
Genome position (GRCh38, 1-based): chr8:125,037,258, G>C on the plus strand (C>G on the coding strand, the complement: WASHC5 is on the minus strand). VCF-style: chr8-125037258-G-C. GRCh37 (hg19) VCF-style: chr8-126049500-G-C.
Other names: c.2716C>G, p.Leu906Val (NM_001330609.2); short protein forms L1054V, L906V.
Identifiers: ClinVar variation 3763869 (VCV003763869.2).